The following is an entry in ClinVar:

NM_020366.4(RPGRIP1):c.1456A>G (p.Thr486Ala)

Gene: RPGRIP1 (RPGR interacting protein 1; plus strand). Cytogenetic location: 14q11.2.
Variant type: single nucleotide variant.
Coding change: c.1456A>G on transcript NM_020366.4 (MANE Select); coding-DNA position 1456, A replaced by G.
Protein change: p.Thr486Ala; replaces threonine 486 with alanine.
Molecular consequence: missense variant. On other transcripts: 5 prime UTR variant (1).
Genome position (GRCh38, 1-based): chr14:21,320,166, A>G. VCF-style: chr14-21320166-A-G. GRCh37 (hg19) VCF-style: chr14-21788325-A-G.
Other names: c.382A>G, p.Thr128Ala (NM_001377523.1, NM_001377948.1, NM_001377949.1 and 1 more transcripts); c.-117A>G (NM_001377951.1); short protein forms T128A, T486A.
Identifiers: ClinVar variation 1929630 (VCV001929630.5), dbSNP rs752788894, ClinGen allele CA7088971.
Genomic context (GRCh38, chr14:21,320,166, plus strand): 5'-TCCCAACCTCCTGACAGGCAATCTGAACCAGCCACTCACCCAGCTGTATTGCAAGAGAAC[A>G]CTCAGATCGAGGTAAGAGCCTCTTTAAACAAACTAGTCCACTCTGCAGAGAGATCTCTGG-3'
Protein context (NP_065099.3, residues 476-496): ATHPAVLQEN[Thr486Ala]QIEPSEPKNQ

ClinVar aggregate classification (germline): Uncertain significance (1 of 4 stars; one submission).

Conditions:
Cone-rod dystrophy 13 (CORD13). Identifiers: Orphanet 1872, MedGen C2750720, MONDO:0011987, OMIM 608194.
Leber congenital amaurosis 6 (LCA6). Identifiers: Orphanet 65, MedGen C1854260, MONDO:0013446, OMIM 613826.

Allele frequency attached by ClinVar (database versions not stated): gnomAD 0.00001.
gnomAD v4.1: 7 of 1,613,652 alleles (0.00043%); highest among the groups gnomAD compares: South Asian, 0.0011%; no homozygotes.

Submission:

Labcorp Genetics (formerly Invitae), Labcorp
Classification: Uncertain significance for Leber congenital amaurosis 6; Cone-rod dystrophy 13. Last evaluated: 2023-07-03. Review status: criteria provided, single submitter. Criteria: Invitae Variant Classification Sherloc (09022015). Collection method: clinical testing. Allele origin: germline.
Comment: In summary, the available evidence is currently insufficient to determine the role of this variant in disease. Therefore, it has been classified as a Variant of Uncertain Significance. Advanced modeling of protein sequence and biophysical properties (such as structural, functional, and spatial information, amino acid conservation, physicochemical variation, residue mobility, and thermodynamic stability) performed at Invitae indicates that this missense variant is not expected to disrupt RPGRIP1 protein function. ClinVar contains an entry for this variant (Variation ID: 1929630). This variant has not been reported in the literature in individuals affected with RPGRIP1-related conditions. This variant is present in population databases (rs752788894, gnomAD 0.003%). This sequence change replaces threonine, which is neutral and polar, with alanine, which is neutral and non-polar, at codon 486 of the RPGRIP1 protein (p.Thr486Ala).